The following is an entry in ClinVar:

NM_020822.3(KCNT1):c.752del (p.Asn251fs)

Gene: KCNT1 (potassium sodium-activated channel subfamily T member 1; plus strand). Cytogenetic location: 9q34.3.
Variant type: Deletion.
Coding change: c.752del on transcript NM_020822.3 (MANE Select); coding-DNA position 752, one base deleted (A; older notation c.752delA).
Protein change: p.Asn251fs; shifts the reading frame from asparagine 251.
Molecular consequence: frameshift variant.
Genome position (GRCh38, 1-based): chr9:135,757,374, A deleted; the last of 4 consecutive A bases (chr9:135,757,371-135,757,374); deleting any one gives the same sequence. VCF-style (leftmost placement, unchanged base first): chr9-135757370-GA-G. GRCh37 (hg19) VCF-style: chr9-138649216-GA-G.
Other names: c.608del, p.Asn203fs (NM_001272003.2); short protein forms N203fs, N251fs.
Identifiers: ClinVar variation 2002418 (VCV002002418.4), dbSNP rs2490836616, ClinGen allele CA2580080067.
Genomic context (GRCh38, chr9:135,757,370, plus strand): 5'-CCGCTGCGGAACCTGTTCATCCCCGTCTTTCTGAACTGCTGGCTGGCCAAGCACGCGCTG[GA>G]AAACATGATTGTAAGCCGGGGCGGGGGGTGCAGCTGGGACTTGGGGGGGCCACCCTCAGC-3'

ClinVar aggregate classification (germline): Uncertain significance (1 of 4 stars; one submission).

Conditions:
Autosomal dominant nocturnal frontal lobe epilepsy 5. Also called: CILIARY DYSKINESIA, PRIMARY, 28, WITH SITUS INVERSUS; CILIARY DYSKINESIA, PRIMARY, 28, WITHOUT SITUS INVERSUS; KCNT1-Related Epilepsy; Epilepsy, nocturnal frontal lobe, 5. Identifiers: Orphanet 98784, MedGen C3554306, MONDO:0014002, OMIM 615005.
Developmental and epileptic encephalopathy, 14 (DEE14). Also called: Early infantile epileptic encephalopathy 14. Identifiers: Orphanet 293181, MedGen C3554195, MONDO:0013989, OMIM 614959.

Submission:

Labcorp Genetics (formerly Invitae), Labcorp
Classification: Uncertain significance for Autosomal dominant nocturnal frontal lobe epilepsy 5; Developmental and epileptic encephalopathy, 14. Last evaluated: 2022-06-04. Review status: criteria provided, single submitter. Criteria: Invitae Variant Classification Sherloc (09022015). Collection method: clinical testing. Allele origin: germline.
Comment: This variant has not been reported in the literature in individuals affected with KCNT1-related conditions. In summary, the available evidence is currently insufficient to determine the role of this variant in disease. Therefore, it has been classified as a Variant of Uncertain Significance. This variant is not present in population databases (gnomAD no frequency). This sequence change creates a premature translational stop signal (p.Asn251Thrfs*2) in the KCNT1 gene. It is expected to result in an absent or disrupted protein product. However, the current clinical and genetic evidence is not sufficient to establish whether loss-of-function variants in KCNT1 cause disease.